The following is an entry in ClinVar:

ClinVar aggregate classification (germline): Uncertain significance (1 of 4 stars; one submission).

Submission:

Labcorp Genetics (formerly Invitae), Labcorp
Classification: Uncertain significance. Last evaluated: 2024-03-31. Review status: criteria provided, single submitter. Criteria: Invitae Variant Classification Sherloc (09022015). Collection method: clinical testing. Allele origin: germline.
Comment: This sequence change creates a premature translational stop signal (p.Ala188Profs*12) in the GALNT12 gene. It is expected to result in an absent or disrupted protein product. However, the current clinical and genetic evidence is not sufficient to establish whether loss-of-function variants in GALNT12 cause disease. This variant is not present in population databases (gnomAD no frequency). This variant has not been reported in the literature in individuals affected with GALNT12-related conditions. In summary, the available evidence is currently insufficient to determine the role of this variant in disease. Therefore, it has been classified as a Variant of Uncertain Significance.

NM_024642.5(GALNT12):c.562del (p.Ala188fs)

Gene: GALNT12 (polypeptide N-acetylgalactosaminyltransferase 12; plus strand). Cytogenetic location: 9q22.33.
Variant type: Deletion.
Coding change: c.562del on transcript NM_024642.5 (MANE Select); coding-DNA position 562, one base deleted (G; older notation c.562delG).
Protein change: p.Ala188fs; shifts the reading frame from alanine 188.
Molecular consequence: frameshift variant.
Genome position (GRCh38, 1-based): chr9:98,826,772, G deleted; the last of 2 consecutive G bases (chr9:98,826,771-98,826,772); deleting either gives the same sequence. VCF-style (leftmost placement, unchanged base first): chr9-98826770-TG-T. GRCh37 (hg19) VCF-style: chr9-101589052-TG-T.
Other names: short protein forms A188fs.
Identifiers: ClinVar variation 3648264 (VCV003648264.2).